The following is an entry in ClinVar:

NM_001369.3(DNAH5):c.2154del (p.Phe718fs)

Genes: DNAH5-AS1 (DNAH5 antisense RNA 1; plus strand), DNAH5 (dynein axonemal heavy chain 5; minus strand). Cytogenetic location: 5p15.2.
Variant type: Deletion.
Coding change: c.2154del on transcript NM_001369.3 (MANE Select); coding-DNA position 2154, one base deleted (T; older notation c.2154delT).
Protein change: p.Phe718fs; shifts the reading frame from phenylalanine 718.
Molecular consequence: frameshift variant.
Genome position (GRCh38, 1-based): chr5:13,900,311, A deleted on the plus strand (T on the coding strand, the reverse complement: DNAH5 is on the minus strand); the first of 3 consecutive A bases (chr5:13,900,311-13,900,313); deleting any one gives the same sequence. VCF-style (leftmost placement, unchanged base first): chr5-13900310-TA-T. GRCh37 (hg19) VCF-style: chr5-13900419-TA-T.
Other names: short protein forms F718fs.
Identifiers: ClinVar variation 2107560 (VCV002107560.4), dbSNP rs2547087643, ClinGen allele CA2580072061.

ClinVar aggregate classification (germline): Pathogenic (1 of 4 stars; one submission).

Conditions:
Primary ciliary dyskinesia. Also called: Ciliary dyskinesia. Identifiers: Orphanet 244, MedGen C0008780, MONDO:0016575, HP:0012265.

Submission:

Labcorp Genetics (formerly Invitae), Labcorp
Classification: Pathogenic for Primary ciliary dyskinesia. Last evaluated: 2022-03-08. Review status: criteria provided, single submitter. Criteria: Invitae Variant Classification Sherloc (09022015). Collection method: clinical testing. Allele origin: germline.
Comment: This sequence change creates a premature translational stop signal (p.Phe718Leufs*35) in the DNAH5 gene. It is expected to result in an absent or disrupted protein product. Loss-of-function variants in DNAH5 are known to be pathogenic (PMID: 11788826, 16627867). This variant is not present in population databases (gnomAD no frequency). This variant has not been reported in the literature in individuals affected with DNAH5-related conditions. For these reasons, this variant has been classified as Pathogenic.

Literature cited by the submitters: PubMed 11788826; PubMed 16627867.